The following is an entry in ClinVar:

ClinVar aggregate classification (germline): Conflicting classifications of pathogenicity. Review status: criteria provided, conflicting classifications (1 of 4 stars). 10 submissions from 10 submitters: Uncertain significance (1); Benign (2); Likely benign (5). 2 of the submissions do not count toward it. Last evaluated 2026-03-27.

Conditions:
Dystrophin deficiency.
Duchenne muscular dystrophy (DMD). Also called: MUSCULAR DYSTROPHY, PSEUDOHYPERTROPHIC PROGRESSIVE, DUCHENNE TYPE; Duchenne Muscular Dystrophy (DMD). Identifiers: Orphanet 98896, MedGen C0013264, MONDO:0010679, OMIM 310200.
Cardiomyopathy (CMYO). Also called: Cardiomyopathies. Identifiers: Orphanet 167848, MedGen C0878544, MONDO:0004994, HP:0001638. Inheritance: Various modes of inheritance.
Becker muscular dystrophy (BMD). Also called: MUSCULAR DYSTROPHY, PSEUDOHYPERTROPHIC PROGRESSIVE, BECKER TYPE; Becker Muscular Dystrophy (BMD). Identifiers: Orphanet 98895, MedGen C0917713, MONDO:0010311, OMIM 300376.
Cardiovascular phenotype. Identifiers: MedGen CN230736.
DMD-related disorder. Also called: DMD-related condition.
Dilated cardiomyopathy 3B (CMD3B). Also called: CMD3B: DMD-Related Dilated Cardiomyopathy; CARDIOMYOPATHY, DILATED, X-LINKED; DMD-Associated Dilated Cardiomyopathy. Identifiers: Orphanet 154, MedGen C3668940, MONDO:0010542, OMIM 302045.

Allele frequency attached by ClinVar (database versions not stated): gnomAD below 0.00001 and 0.00004; TOPMed 0.00001; ExAC 0.00015; gnomAD exomes 0.00015; 1000 Genomes Project 30x 0.00042; 1000 Genomes Project 0.00053.
gnomAD v4.1: 121 of 1,208,091 alleles (0.01%); highest among the groups gnomAD compares: South Asian, 0.16%; 1 homozygote.

Submissions (10):

Molecular Diagnostic Laboratory for Inherited Cardiovascular Disease, Montreal Heart Institute
Classification: Likely benign. Last evaluated: 2026-03-27. Review status: criteria provided, single submitter. Criteria: ACMG Guidelines, 2015. Collection method: clinical testing. Allele origin: germline. Affected: no.
Comment: BS1;BP4

Labcorp Genetics (formerly Invitae), Labcorp
Classification: Likely benign for Duchenne muscular dystrophy. Last evaluated: 2026-01-24. Review status: criteria provided, single submitter. Criteria: Invitae Variant Classification Sherloc (09022015). Collection method: clinical testing. Allele origin: germline.

Ambry Genetics
Classification: Benign for Cardiovascular phenotype. Last evaluated: 2024-01-09. Review status: criteria provided, single submitter. Criteria: Ambry Variant Classification Scheme 2023. Collection method: clinical testing. Allele origin: germline.

Blueprint Genetics
Classification: Likely benign. Last evaluated: 2023-12-14. Review status: criteria provided, single submitter. Criteria: ACMG Guidelines, 2015. Collection method: clinical testing. Allele origin: germline.

CeGaT Center for Human Genetics Tuebingen
Classification: Likely benign. Last evaluated: 2023-09-01. Review status: criteria provided, single submitter. Criteria: CeGaT Center For Human Genetics Tuebingen Variant Classification Criteria Version 2. Collection method: clinical testing. Allele origin: germline. Affected: yes. Observed: 1 variant allele.
Comment: DMD: BP4, BS2

GeneDx
Classification: Benign. Last evaluated: 2020-07-13. Review status: criteria provided, single submitter. Criteria: GeneDx Variant Classification Process June 2021. Collection method: clinical testing. Allele origin: germline. Affected: yes.

Illumina Laboratory Services, Illumina
Classification: Uncertain significance for Dilated cardiomyopathy 3B. Last evaluated: 2018-01-13. Review status: criteria provided, single submitter. Criteria: ICSL Variant Classification Criteria 13 December 2019. Collection method: clinical testing. Allele origin: germline.

ARUP Laboratories, Molecular Genetics and Genomics, ARUP Laboratories
Classification: Likely benign. Last evaluated: 2017-02-16. Review status: criteria provided, single submitter. Criteria: ARUP Molecular Germline Variant Investigation Process. Collection method: clinical testing. Allele origin: germline.

PreventionGenetics, part of Exact Sciences
Classification: Likely benign for DMD-related condition. Last evaluated: 2024-09-01. Review status: no assertion criteria provided. Collection method: clinical testing. Allele origin: germline. Not counted in ClinVar's aggregate classification.
Comment: This variant is classified as likely benign based on ACMG/AMP sequence variant interpretation guidelines (Richards et al. 2015 PMID: 25741868, with internal and published modifications).

Natera, Inc.
Classification: Likely benign for Becker muscular dystrophy; Cardiomyopathy; Duchenne muscular dystrophy; Dystrophin deficiency. Last evaluated: 2020-10-27. Review status: no assertion criteria provided. Collection method: clinical testing. Allele origin: germline. Not counted in ClinVar's aggregate classification.

NM_004006.3(DMD):c.4744G>A (p.Val1582Ile)

Gene: DMD (dystrophin; minus strand). Cytogenetic location: Xp21.1.
Variant type: single nucleotide variant.
Coding change: c.4744G>A on transcript NM_004006.3 (MANE Select); coding-DNA position 4744, G replaced by A.
Protein change: p.Val1582Ile; replaces valine 1582 with isoleucine.
Molecular consequence: missense variant.
Genome position (GRCh38, 1-based): chrX:32,380,611, C>T on the plus strand (G>A on the coding strand, the complement: DMD is on the minus strand). VCF-style: chrX-32380611-C-T. GRCh37 (hg19) VCF-style: chrX-32398728-C-T.
Other names: c.4720G>A, p.Val1574Ile (NM_000109.4); c.4732G>A, p.Val1578Ile (NM_004009.3); c.4375G>A, p.Val1459Ile (NM_004010.3); c.721G>A, p.Val241Ile (NM_004011.4); c.712G>A, p.Val238Ile (NM_004012.4); short protein forms V238I, V241I, V1459I, V1574I, V1578I.
Identifiers: ClinVar variation 94637 (VCV000094637.50), dbSNP rs398123965, ClinGen allele CA222407.